The following is an entry in ClinVar:

NM_001079872.2(CUL4B):c.1246C>T (p.Gln416Ter)

Gene: CUL4B (cullin 4B; minus strand). Cytogenetic location: Xq24.
Variant type: single nucleotide variant.
Coding change: c.1246C>T on transcript NM_001079872.2 (MANE Select); coding-DNA position 1246, C replaced by T.
Protein change: p.Gln416Ter; replaces glutamine 416 with a stop codon.
Molecular consequence: nonsense.
Genome position (GRCh38, 1-based): chrX:120,543,737, G>A on the plus strand (C>T on the coding strand, the complement: CUL4B is on the minus strand). VCF-style: chrX-120543737-G-A. GRCh37 (hg19) VCF-style: chrX-119677592-G-A.
Other names: c.1261C>T, p.Gln421Ter (NM_001330624.2); c.712C>T, p.Gln238Ter (NM_001369145.1); c.1300C>T, p.Gln434Ter (NM_003588.4); short protein forms Q238*, Q416*, Q421*, Q434*.
Identifiers: ClinVar variation 3342601 (VCV003342601.1).

ClinVar aggregate classification (germline): Pathogenic (1 of 4 stars; one submission).

Submission:

GeneDx
Classification: Pathogenic. Last evaluated: 2023-12-26. Review status: criteria provided, single submitter. Criteria: GeneDx Variant Classification Process June 2021. Collection method: clinical testing. Allele origin: germline. Affected: yes.
Comment: Nonsense variant predicted to result in protein truncation or nonsense mediated decay in a gene for which loss of function is a known mechanism of disease; Not observed at significant frequency in large population cohorts (gnomAD); This variant is associated with the following publications: (PMID: 34490615)